The following is an entry in ClinVar:

NM_016333.4(SRRM2):c.1333C>T (p.Pro445Ser)

Gene: SRRM2 (serine/arginine repetitive matrix 2; plus strand). Cytogenetic location: 16p13.3.
Variant type: single nucleotide variant.
Coding change: c.1333C>T on transcript NM_016333.4 (MANE Select); coding-DNA position 1333, C replaced by T.
Protein change: p.Pro445Ser; replaces proline 445 with serine.
Molecular consequence: missense variant.
Genome position (GRCh38, 1-based): chr16:2,761,861, C>T. VCF-style: chr16-2761861-C-T. GRCh37 (hg19) VCF-style: chr16-2811862-C-T.
Other names: short protein forms P445S.
Identifiers: ClinVar variation 5039875 (VCV005039875.1).

ClinVar aggregate classification (germline): Likely benign (1 of 4 stars; one submission).

gnomAD v4.1: 3 of 1,610,366 alleles (0.00019%); highest among the groups gnomAD compares: Non-Finnish European, 0.00025%; no homozygotes.

Submission:

CeGaT Center for Human Genetics Tuebingen
Classification: Likely benign. Last evaluated: 2026-08-01. Review status: criteria provided, single submitter. Criteria: CeGaT Center For Human Genetics Tuebingen Variant Classification Criteria Version 2. Collection method: clinical testing. Allele origin: germline. Affected: yes. Observed: 1 variant allele.
Comment: SRRM2: BP4